The following is an entry in ClinVar:

NM_001134407.3(GRIN2A):c.2549C>T (p.Thr850Met)

Gene: GRIN2A (glutamate ionotropic receptor NMDA type subunit 2A; minus strand). Cytogenetic location: 16p13.2.
Variant type: single nucleotide variant.
Coding change: c.2549C>T on transcript NM_001134407.3 (MANE Select); coding-DNA position 2549, C replaced by T.
Protein change: p.Thr850Met; replaces threonine 850 with methionine.
Molecular consequence: missense variant.
Genome position (GRCh38, 1-based): chr16:9,768,897, G>A on the plus strand (C>T on the coding strand, the complement: GRIN2A is on the minus strand). VCF-style: chr16-9768897-G-A. GRCh37 (hg19) VCF-style: chr16-9862754-G-A.
Other names: c.2549C>T, p.Thr850Met (NM_000833.5, NM_001134408.2); short protein forms T850M.
Identifiers: ClinVar variation 411290 (VCV000411290.9), dbSNP rs1060503230, ClinGen allele CA16615052.

ClinVar aggregate classification (germline): Uncertain significance (1 of 4 stars; one submission).

Conditions:
Landau-Kleffner syndrome (FESD). Also called: EPILEPSY, FOCAL, WITH SPEECH DISORDER AND WITH OR WITHOUT MENTAL RETARDATION; APHASIA, ACQUIRED, WITH EPILEPSY. Identifiers: Orphanet 1945, Orphanet 725, Orphanet 98818, MedGen C0282512, MONDO:0009509, OMIM 245570.

Allele frequency attached by ClinVar (database versions not stated): gnomAD exomes 0.00001 and below 0.00001.
gnomAD v4.1: 6 of 1,614,224 alleles (0.00037%); highest among the groups gnomAD compares: Admixed American, 0.0017%; no homozygotes.

Submission:

Labcorp Genetics (formerly Invitae), Labcorp
Classification: Uncertain significance for Landau-Kleffner syndrome. Last evaluated: 2017-05-11. Review status: criteria provided, single submitter. Criteria: Invitae Variant Classification Sherloc (09022015). Collection method: clinical testing. Allele origin: germline.
Comment: This variant is not present in population databases (ExAC no frequency) and has not been reported in the literature in individuals with a GRIN2A-related disease. In summary, this variant is a novel missense change with uncertain impact on protein function. It has been classified as a Variant of Uncertain Significance. Algorithms developed to predict the effect of missense changes on protein structure and function do not agree on the potential impact of this missense change (SIFT: "Deleterious"; PolyPhen-2: "Probably Damaging"; Align-GVGD: "Class C0"). This sequence change replaces threonine with methionine at codon 850 of the GRIN2A protein (p.Thr850Met). The threonine residue is highly conserved and there is a moderate physicochemical difference between threonine and methionine.